The following is an entry in ClinVar:

NM_018489.3(ASH1L):c.2951G>A (p.Arg984His)

Gene: ASH1L (ASH1 like histone lysine methyltransferase; minus strand). Cytogenetic location: 1q22.
Variant type: single nucleotide variant.
Coding change: c.2951G>A on transcript NM_018489.3 (MANE Select); coding-DNA position 2951, G replaced by A.
Protein change: p.Arg984His; replaces arginine 984 with histidine.
Molecular consequence: missense variant.
Genome position (GRCh38, 1-based): chr1:155,479,919, C>T on the plus strand (G>A on the coding strand, the complement: ASH1L is on the minus strand). VCF-style: chr1-155479919-C-T. GRCh37 (hg19) VCF-style: chr1-155449710-C-T.
Other names: c.2951G>A, p.Arg984His (NM_001366177.2); short protein forms R984H.
Identifiers: ClinVar variation 1805340 (VCV001805340.1), dbSNP rs1187547460, ClinGen allele CA342717139.

ClinVar aggregate classification (germline): Uncertain significance (1 of 4 stars; one submission).

Conditions:
Intellectual developmental disorder, autosomal dominant 52. Also called: Intellectual disability, autosomal dominant 52; Mental retardation, autosomal dominant 52. Identifiers: MedGen C4540478, MONDO:0030918, OMIM 617796.

Allele frequency attached by ClinVar (database versions not stated): TOPMed below 0.00001; gnomAD 0.00001; gnomAD exomes 0.00001.
gnomAD v4.1: 14 of 1,613,172 alleles (0.00087%); highest among the groups gnomAD compares: East Asian, 0.0045%; no homozygotes.

Submission:

Victorian Clinical Genetics Services, Murdoch Childrens Research Institute
Classification: Uncertain significance for Intellectual developmental disorder, autosomal dominant 52. Last evaluated: 2021-05-06. Review status: criteria provided, single submitter. Criteria: ACMG Guidelines, 2015. Collection method: clinical testing. Allele origin: germline. Inheritance: Autosomal dominant inheritance. Affected: yes.
Comment: Based on the classification scheme VCGS_Germline_v1.3.4, this variant is classified as VUS-3B. Following criteria are met: 0102 - Loss of function is a known mechanism of disease in this gene and is associated with ASH1L-related intellectual disability (MIM#617796). (I) 0107 - This gene is associated with autosomal dominant disease. (I) 0200 - Variant is predicted to result in a missense amino acid change from arginine to histidine. (I) 0251 - This variant is heterozygous. (I) 0302 - Variant is present in gnomAD (v3) <0.001 for a dominant condition (1 heterozygote, 0 homozygotes). (SP) 0309 - An alternative amino acid change at the same position has been observed in gnomAD (v2) (5 heterozygotes, 0 homozygotes). (I) 0502 - Missense variant with conflicting in silico predictions and uninformative conservation. (I) 0604 - Variant is not located in an established domain, motif, hotspot or informative constraint region. (I) 0705 - No comparable missense variants have previous evidence for pathogenicity. (I) 0807 - This variant has no previous evidence of pathogenicity. (I) 0905 - No published segregation evidence has been identified for this variant. (I) 1007 - No published functional evidence has been identified for this variant. (I) 1208 - Inheritance information for this variant is not currently available in this individual. (I) Legend: (SP) - Supporting pathogenic, (I) - Information, (SB) - Supporting benign